The following is an entry in ClinVar:

NM_000733.4(CD3E):c.352+152C>T

Gene: CD3E (CD3 epsilon subunit of T-cell receptor complex; plus strand). Cytogenetic location: 11q23.3.
Variant type: single nucleotide variant.
Coding change: c.352+152C>T on transcript NM_000733.4 (MANE Select); 152 bases into the intron after coding-DNA position 352, C replaced by T.
Molecular consequence: intron variant.
Genome position (GRCh38, 1-based): chr11:118,313,018, C>T. VCF-style: chr11-118313018-C-T. GRCh37 (hg19) VCF-style: chr11-118183733-C-T.
Identifiers: ClinVar variation 1294692 (VCV001294692.5), dbSNP rs28423005, ClinGen allele CA13471976.

ClinVar aggregate classification (germline): Benign. Review status: criteria provided, multiple submitters, no conflicts (2 of 4 stars). 3 submissions from 3 submitters: Benign (3). Last evaluated 2023-11-12.

Allele frequency attached by ClinVar (database versions not stated): 1000 Genomes Project 30x 0.22783; 1000 Genomes Project 0.22863; gnomAD 0.25638 and 0.25930; TOPMed 0.25939; gnomAD exomes 0.31304.

Submissions (3):

Unidad de Genómica Garrahan, Hospital de Pediatría Garrahan
Classification: Benign. Last evaluated: 2023-11-12. Review status: criteria provided, single submitter. Criteria: ACMG Guidelines, 2015. Collection method: clinical testing. Allele origin: germline. Affected: no. Observed: 58 variant alleles.
Comment: This variant is classified as Benign based on local population frequency. This variant was detected in 60% of patients studied by a panel of primary immunodeficiencies. Number of patients: 58. Only high quality variants are reported.

GeneDx
Classification: Benign. Last evaluated: 2018-07-02. Review status: criteria provided, single submitter. Criteria: GeneDx Variant Classification Process June 2021. Collection method: clinical testing. Allele origin: germline. Affected: yes.

Breakthrough Genomics
Classification: Benign. Review status: criteria provided, single submitter. Criteria: ACMG Guidelines, 2015. Collection method: not provided. Allele origin: germline. Inheritance: Autosomal recessive inheritance. Affected: yes.